The following is an entry in ClinVar:

NM_004415.4(DSP):c.6421G>A (p.Val2141Ile)

Gene: DSP (desmoplakin; plus strand). Cytogenetic location: 6p24.3.
Variant type: single nucleotide variant.
Coding change: c.6421G>A on transcript NM_004415.4 (MANE Select); coding-DNA position 6421, G replaced by A.
Protein change: p.Val2141Ile; replaces valine 2141 with isoleucine.
Molecular consequence: missense variant.
Genome position (GRCh38, 1-based): chr6:7,583,683, G>A. VCF-style: chr6-7583683-G-A. GRCh37 (hg19) VCF-style: chr6-7583916-G-A.
Other names: c.4624G>A, p.Val1542Ile (NM_001008844.3); c.5092G>A, p.Val1698Ile (NM_001319034.2); short protein forms V1542I, V1698I, V2141I.
Identifiers: ClinVar variation 3763464 (VCV003763464.2).

ClinVar aggregate classification (germline): Uncertain significance (1 of 4 stars; one submission).

Conditions:
Arrhythmogenic cardiomyopathy with wooly hair and keratoderma. Also called: PALMOPLANTAR KERATODERMA WITH LEFT VENTRICULAR CARDIOMYOPATHY AND WOOLLY HAIR; Carvajal syndrome; Dilated cardiomyopathy with woolly hair and keratoderma; Arrhythmogenic cardiomyopathy with woolly hair and keratoderma. Identifiers: Orphanet 65282, MedGen C1854063, MONDO:0011581, OMIM 605676.
Arrhythmogenic right ventricular dysplasia 8 (ARVD8). Also called: Arrhythmogenic Right Ventricular Dysplasia/Cardiomyopathy 8; ARRHYTHMOGENIC RIGHT VENTRICULAR CARDIOMYOPATHY 8; ARRHYTHMOGENIC RIGHT VENTRICULAR DYSPLASIA, FAMILIAL, 8. Identifiers: MedGen C1843896, MONDO:0011831, OMIM 607450.

Submission:

Labcorp Genetics (formerly Invitae), Labcorp
Classification: Uncertain significance for Arrhythmogenic cardiomyopathy with wooly hair and keratoderma; Arrhythmogenic right ventricular dysplasia 8. Last evaluated: 2024-10-05. Review status: criteria provided, single submitter. Criteria: Invitae Variant Classification Sherloc (09022015). Collection method: clinical testing. Allele origin: germline.
Comment: This sequence change replaces valine, which is neutral and non-polar, with isoleucine, which is neutral and non-polar, at codon 2141 of the DSP protein (p.Val2141Ile). This variant is not present in population databases (gnomAD no frequency). This variant has not been reported in the literature in individuals affected with DSP-related conditions. An algorithm developed to predict the effect of missense changes on protein structure and function (PolyPhen-2) suggests that this variant is likely to be tolerated. In summary, the available evidence is currently insufficient to determine the role of this variant in disease. Therefore, it has been classified as a Variant of Uncertain Significance.